The following is an entry in ClinVar:

NM_006904.7(PRKDC):c.5026A>G (p.Ile1676Val)

Gene: PRKDC (protein kinase, DNA-activated, catalytic subunit; minus strand). Cytogenetic location: 8q11.21.
Variant type: single nucleotide variant.
Coding change: c.5026A>G on transcript NM_006904.7 (MANE Select); coding-DNA position 5026, A replaced by G.
Protein change: p.Ile1676Val; replaces isoleucine 1676 with valine.
Molecular consequence: missense variant.
Genome position (GRCh38, 1-based): chr8:47,881,457, T>C on the plus strand (A>G on the coding strand, the complement: PRKDC is on the minus strand). VCF-style: chr8-47881457-T-C. GRCh37 (hg19) VCF-style: chr8-48794018-T-C.
Other names: c.5026A>G, p.Ile1676Val (NM_001081640.2); short protein forms I1676V.
Identifiers: ClinVar variation 642699 (VCV000642699.7), dbSNP rs751280765, ClinGen allele CA4740740.

ClinVar aggregate classification (germline): Uncertain significance. Review status: criteria provided, multiple submitters, no conflicts (2 of 4 stars). 2 submissions from 2 submitters: Uncertain significance (2). Last evaluated 2024-10-16.

Conditions:
Severe combined immunodeficiency due to DNA-PKcs deficiency. Also called: IMMUNODEFICIENCY 26 WITH NEUROLOGIC ABNORMALITIES; Immunodeficiency 26 with or without neurologic abnormalities. Identifiers: Orphanet 317425, MedGen C4014833, MONDO:0014423, OMIM 615966.

Allele frequency attached by ClinVar (database versions not stated): gnomAD 0.00001; TOPMed 0.00001; gnomAD exomes 0.00003; ExAC 0.00005.
gnomAD v4.1: 43 of 1,574,596 alleles (0.0027%); highest among the groups gnomAD compares: Middle Eastern, 0.35%; no homozygotes.

Submissions (2):

Labcorp Genetics (formerly Invitae), Labcorp
Classification: Uncertain significance for Severe combined immunodeficiency due to DNA-PKcs deficiency. Last evaluated: 2024-10-16. Review status: criteria provided, single submitter. Criteria: Invitae Variant Classification Sherloc (09022015). Collection method: clinical testing. Allele origin: germline.
Comment: This sequence change replaces isoleucine, which is neutral and non-polar, with valine, which is neutral and non-polar, at codon 1676 of the PRKDC protein (p.Ile1676Val). This variant is present in population databases (rs751280765, gnomAD 0.005%). This variant has not been reported in the literature in individuals affected with PRKDC-related conditions. ClinVar contains an entry for this variant (Variation ID: 642699). Invitae Evidence Modeling of protein sequence and biophysical properties (such as structural, functional, and spatial information, amino acid conservation, physicochemical variation, residue mobility, and thermodynamic stability) indicates that this missense variant is not expected to disrupt PRKDC protein function with a negative predictive value of 80%. In summary, the available evidence is currently insufficient to determine the role of this variant in disease. Therefore, it has been classified as a Variant of Uncertain Significance.

Breakthrough Genomics
Classification: Uncertain significance. Review status: criteria provided, single submitter. Criteria: ACMG Guidelines, 2015. Collection method: not provided. Allele origin: germline. Inheritance: Autosomal recessive inheritance. Affected: yes.